The following is an entry in ClinVar:

ClinVar aggregate classification (germline): Conflicting classifications of pathogenicity. Review status: criteria provided, conflicting classifications (1 of 4 stars). 13 submissions from 13 submitters: Uncertain significance (1); Benign (6); Likely benign (3). 3 of the submissions do not count toward it. Last evaluated 2026-08-01.

Conditions:
Bardet-Biedl syndrome (BBS). Identifiers: Orphanet 110, MedGen C0752166, MONDO:0015229.
Bardet-Biedl syndrome 1 (BBS1). Identifiers: MedGen C2936862, MONDO:0008854, OMIM 209900. Disease mechanism: loss of function.
Bardet-Biedl syndrome 4 (BBS4). Identifiers: Orphanet 110, MedGen C2936864, MONDO:0014433, OMIM 615982.

Allele frequency attached by ClinVar (database versions not stated): 1000 Genomes Project 0.00319; 1000 Genomes Project 30x 0.00359; TOPMed 0.00685; ExAC 0.00686; gnomAD exomes 0.00687; ESP Exome Variant Server 0.00708.
gnomAD v4.1: 14,375 of 1,613,402 alleles (0.89%); highest among the groups gnomAD compares: Non-Finnish European, 1.1%; 97 homozygotes.

Submissions (13):

CeGaT Center for Human Genetics Tuebingen
Classification: Benign. Last evaluated: 2026-08-01. Review status: criteria provided, single submitter. Criteria: CeGaT Center For Human Genetics Tuebingen Variant Classification Criteria Version 2. Collection method: clinical testing. Allele origin: germline. Affected: yes. Observed: 6 variant alleles.
Comment: BBS4: BS1, BS2

Labcorp Genetics (formerly Invitae), Labcorp
Classification: Benign for Bardet-Biedl syndrome. Last evaluated: 2026-02-04. Review status: criteria provided, single submitter. Criteria: Invitae Variant Classification Sherloc (09022015). Collection method: clinical testing. Allele origin: germline.

Blueprint Genetics
Classification: Likely benign. Last evaluated: 2024-11-27. Review status: criteria provided, single submitter. Criteria: ACMG Guidelines, 2015. Collection method: clinical testing. Allele origin: germline.

Women's Health and Genetics/Laboratory Corporation of America, LabCorp
Classification: Likely benign. Last evaluated: 2022-01-11. Review status: criteria provided, single submitter. Criteria: LabCorp Variant Classification Summary - May 2015. Collection method: clinical testing. Allele origin: germline.
Comment: Variant summary: BBS4 c.137A>G (p.Lys46Arg) results in a conservative amino acid change in the encoded protein sequence. Four of five in-silico tools predict a benign effect of the variant on protein function. The variant allele was found at a frequency of 0.0069 in 251304 control chromosomes in the gnomAD database, including 6 homozygotes. The observed variant frequency is approximately 10 fold of the estimated maximal expected allele frequency for a pathogenic variant in BBS4 causing Bardet-Biedl Syndrome phenotype (0.00069), strongly suggesting that the variant is benign. c.137A>G has been reported in the literature in individuals affected with Bardet-Biedl Syndrome (example, Muller_2010). These report(s) do not provide unequivocal conclusions about association of the variant with Bardet-Biedl Syndrome. One publication reports experimental evidence evaluating an impact on protein function and reports this as a null allele based on lack of ability to rescue bbs zebrafish morphants with human mRNA mutant construct, however, does not allow convincing conclusions about the variant effect (Zaghoul_2010). Six clinical diagnostic laboratories have submitted clinical-significance assessments for this variant to ClinVar after 2014 with a predominant consensus as benign (n=4)/likely benign(n=1). Based on the evidence outlined above, the variant was classified as likely benign.

Illumina Laboratory Services, Illumina
Classification: Benign for Bardet-Biedl syndrome 4. Last evaluated: 2017-04-27. Review status: criteria provided, single submitter. Criteria: ICSL Variant Classification Criteria 13 December 2019. Collection method: clinical testing. Allele origin: germline.
Comment: This variant was observed as part of a predisposition screen in an ostensibly healthy population. A literature search was performed for the gene, cDNA change, and amino acid change (where applicable). No publications were found based on this search. Allele frequency data from public databases was too high to be consistent with this variant causing disease. Therefore, this variant is classified as benign.

Genetic Services Laboratory, University of Chicago
Classification: Likely benign. Last evaluated: 2016-12-05. Review status: criteria provided, single submitter. Criteria: ACMG Guidelines, 2015. Collection method: clinical testing. Allele origin: germline. Affected: no.

Center for Pediatric Genomic Medicine, Children's Mercy Hospital and Clinics
Classification: Benign. Last evaluated: 2016-07-08. Review status: criteria provided, single submitter. Criteria: ACMG Guidelines, 2015. Collection method: clinical testing. Allele origin: germline.

GeneDx
Classification: Uncertain significance. Last evaluated: 2016-04-08. Review status: criteria provided, single submitter. Criteria: GeneDx Variant Classification (06012015). Collection method: clinical testing. Allele origin: germline. Affected: yes.
Comment: The K46R variant in the BBS4 gene was first reported as a likely non-disease causing variant (Mykytyn et al., 2003). In a more recent publication, Muller et al. (2010) identified K46R in the homozygous state in an individual diagnosed with Bardet-Biedl syndrome. A separate group performed functional studies in zebrafish by in vivo complementation analysis and predicted K46R is likely detrimental to the protein function (Zaghloul et al., 2010). However, K46R is reported as benign in ClinVar by a different clinical laboratory, but additional evidence is not available (ClinVar SCV000229244.1; Landrum et al., 2015). The NHLBI ESP Exome Sequencing Project reports K46R was observed in 1.02% (88/8594) alleles from individuals of European American ancestry, indicating it may be a rare variant in this population. The K46R variant is a conservative amino acid substitution, which is not likely to impact secondary protein structure as these residues share similar properties. This substitution occurs at a position that is conserved across species. In silico analysis is inconsistent in its predictions as to whether or not the variant is damaging to the protein structure/function. We interpret K46R as a variant of uncertain significance.

Eurofins Ntd Llc (ga)
Classification: Benign. Last evaluated: 2015-02-12. Review status: criteria provided, single submitter. Criteria: EGL Classification Definitions 2015. Collection method: clinical testing. Allele origin: germline. Observed: 1 variant allele, 1 heterozygote.

PreventionGenetics, part of Exact Sciences
Classification: Benign. Review status: criteria provided, single submitter. Criteria: ACMG Guidelines, 2015. Collection method: clinical testing. Allele origin: germline.

Diagnostic Laboratory, Department of Genetics, University Medical Center Groningen
Classification: Likely benign for Bardet-Biedl syndrome 1. Review status: no assertion criteria provided. Collection method: clinical testing. Allele origin: germline. Affected: yes. Study: VKGL Data-share Consensus. Not counted in ClinVar's aggregate classification.

Genome Diagnostics Laboratory, Amsterdam University Medical Center
Classification: Benign. Review status: no assertion criteria provided. Collection method: clinical testing. Allele origin: germline. Affected: yes. Study: VKGL Data-share Consensus. Not counted in ClinVar's aggregate classification.

Genome Diagnostics Laboratory, University Medical Center Utrecht
Classification: Likely benign. Review status: no assertion criteria provided. Collection method: clinical testing. Allele origin: germline. Affected: yes. Study: VKGL Data-share Consensus. Not counted in ClinVar's aggregate classification.

Literature cited by the submitters: PubMed 20498079 (cited by Women's Health and Genetics/Laboratory Corporation of America, LabCorp); PubMed 20177705 (cited by Women's Health and Genetics/Laboratory Corporation of America, LabCorp).

NM_033028.5(BBS4):c.137A>G (p.Lys46Arg)

Gene: BBS4 (Bardet-Biedl syndrome 4; plus strand). Cytogenetic location: 15q24.1.
Variant type: single nucleotide variant.
Coding change: c.137A>G on transcript NM_033028.5 (MANE Select); coding-DNA position 137, A replaced by G.
Protein change: p.Lys46Arg; replaces lysine 46 with arginine.
Molecular consequence: missense variant. On other transcripts: 5 prime UTR variant (1), non-coding transcript variant (2).
Genome position (GRCh38, 1-based): chr15:72,709,760, A>G. VCF-style: chr15-72709760-A-G. GRCh37 (hg19) VCF-style: chr15-73002101-A-G.
Other names: c.-385A>G (NM_001252678.2); c.137A>G, p.Lys46Arg (NM_001320665.2); short protein forms K46R.
Identifiers: ClinVar variation 196570 (VCV000196570.53), dbSNP rs75295839, ClinGen allele CA202441.
Genomic context (GRCh38, chr15:72,709,760, plus strand): 5'-CTCCAGAGTTTCCTATTTTGGAGAAGCAGAACTGGTTGATTCATCTTCATTATATCCGGA[A>G]AGATTATGAAGCCTGCAAGGTAAGAGATTGCCATAATAATAAAAATGAGAGGCAGGATGT-3'
Protein context (NP_149017.2, residues 36-56): NWLIHLHYIR[Lys46Arg]DYEACKAVIK